The following is an entry in ClinVar:

NM_001042492.3(NF1):c.2851-3del

Gene: NF1 (neurofibromin 1; plus strand). Cytogenetic location: 17q11.2.
Variant type: Deletion.
Coding change: c.2851-3del on transcript NM_001042492.3 (MANE Select); 3 bases into the intron before coding-DNA position 2851, one base deleted (T; older notation c.2851-3delT).
Molecular consequence: intron variant.
Genome position (GRCh38, 1-based): chr17:31,229,832, T deleted; the last of 3 consecutive T bases (chr17:31,229,830-31,229,832); deleting any one gives the same sequence. VCF-style (leftmost placement, unchanged base first): chr17-31229829-CT-C. GRCh37 (hg19) VCF-style: chr17-29556847-CT-C.
Other names: c.2851-3delT (NM_000267.3, NM_001042492.2); c.2851-3del (NM_000267.4).
Identifiers: ClinVar variation 233398 (VCV000233398.14), dbSNP rs876660379, ClinGen allele CA10580265.

ClinVar aggregate classification (germline): Conflicting classifications of pathogenicity. Review status: criteria provided, conflicting classifications (1 of 4 stars). 5 submissions from 4 submitters: Uncertain significance (2); Likely benign (3). Last evaluated 2025-11-12.

Conditions:
Cardiovascular phenotype. Identifiers: MedGen CN230736.
Hereditary cancer-predisposing syndrome. Also called: Tumor predisposition; Hereditary Cancer Syndrome; Hereditary neoplastic syndrome; Neoplastic Syndromes, Hereditary. Identifiers: Orphanet 140162, MedGen C0027672, MeSH D009386, MONDO:0015356.
Neurofibromatosis, type 1 (NF1). Also called: VON RECKLINGHAUSEN DISEASE; NEUROFIBROMATOSIS, TYPE I, SOMATIC; Peripheral type neurofibromatosis; Neurofibromatosis, type I. Identifiers: Orphanet 636, MedGen C0027831, MONDO:0018975, OMIM 162200. Disease mechanism: loss of function.
Juvenile myelomonocytic leukemia (JMML). Also called: LEUKEMIA, JUVENILE MYELOMONOCYTIC, SOMATIC. Identifiers: Orphanet 86834, MedGen C0349639, MONDO:0011908, OMIM 607785, HP:0012209.

Submissions (5):

Labcorp Genetics (formerly Invitae), Labcorp
Classification: Likely benign for Neurofibromatosis, type 1. Last evaluated: 2025-11-12. Review status: criteria provided, single submitter. Criteria: Invitae Variant Classification Sherloc (09022015). Collection method: clinical testing. Allele origin: germline.

Department of Pathology and Laboratory Medicine, Sinai Health System
Classification: Likely benign for neurofibromatosis type 1. Last evaluated: 2024-01-22. Review status: criteria provided, single submitter. Criteria: ACMG Guidelines, 2015. Collection method: clinical testing. Allele origin: germline. Affected: no.

Baylor Genetics
Classification: Uncertain significance for Juvenile myelomonocytic leukemia. Last evaluated: 2022-04-11. Review status: criteria provided, single submitter. Criteria: ACMG Guidelines, 2015. Collection method: clinical testing. Allele origin: unknown.

Ambry Genetics
Classification: Likely benign for Cardiovascular phenotype; Hereditary cancer-predisposing syndrome. Last evaluated: 2020-03-13. Review status: criteria provided, single submitter. Criteria: Ambry Variant Classification Scheme 2023. Collection method: clinical testing. Allele origin: germline.

Ambry Genetics
Classification: Uncertain significance for Hereditary cancer-predisposing syndrome. Last evaluated: 2015-08-12. Review status: criteria provided, single submitter. Criteria: Ambry Autosomal Dominant and X-Linked criteria (10/2015). Collection method: clinical testing. Allele origin: germline. Observed: 1 variant allele.
Comment: The c.2851-3delT intronic variant, located in intron 21 of the NF1 gene, results from a deletion of one nucleotide within intron 21 of the NF1 gene. This variant was not reported in population based cohorts in the following databases: Database of Single Nucleotide Polymorphisms (dbSNP), NHLBI Exome Sequencing Project (ESP), and 1000 Genomes Project. In the ESP, this variant was not observed in 6503 samples (13006 alleles) with coverage at this position. To date, this alteration has been detected with an allele frequency of approximately 0.002% (greater than55000 alleles tested) in our clinical cohort.This nucleotide position is not well conserved in available vertebrate species. Using the BDGP and ESEfinder splice site prediction tools, this alteration is not predicted to have any significant effect on this splice acceptor site; however, direct evidence is unavailable.Since supporting evidence for this variant is limited at this time, the clinical significance ofc.2851-3delTremains unclear.